The following is an entry in ClinVar:

ClinVar aggregate classification (germline): Uncertain significance (1 of 4 stars; one submission).

Submission:

Labcorp Genetics (formerly Invitae), Labcorp
Classification: Uncertain significance. Last evaluated: 2025-11-26. Review status: criteria provided, single submitter. Criteria: Invitae Variant Classification Sherloc (09022015). Collection method: clinical testing. Allele origin: germline.
Comment: This sequence change replaces proline, which is neutral and non-polar, with threonine, which is neutral and polar, at codon 676 of the ARHGEF10 protein (p.Pro676Thr). This variant is not present in population databases (gnomAD no frequency). This variant has not been reported in the literature in individuals affected with ARHGEF10-related conditions. ClinVar contains an entry for this variant (Variation ID: 2982014). Invitae Evidence Modeling of protein sequence and biophysical properties (such as structural, functional, and spatial information, amino acid conservation, physicochemical variation, residue mobility, and thermodynamic stability) indicates that this missense variant is not expected to disrupt ARHGEF10 protein function with a negative predictive value of 80%. In summary, the available evidence is currently insufficient to determine the role of this variant in disease. Therefore, it has been classified as a Variant of Uncertain Significance.

NM_014629.4(ARHGEF10):c.2026C>A (p.Pro676Thr)

Gene: ARHGEF10 (Rho guanine nucleotide exchange factor 10; plus strand). Cytogenetic location: 8p23.3.
Variant type: single nucleotide variant.
Coding change: c.2026C>A on transcript NM_014629.4 (MANE Select); coding-DNA position 2026, C replaced by A.
Protein change: p.Pro676Thr; replaces proline 676 with threonine.
Molecular consequence: missense variant.
Genome position (GRCh38, 1-based): chr8:1,909,353, C>A. VCF-style: chr8-1909353-C-A. GRCh37 (hg19) VCF-style: chr8-1857519-C-A.
Other names: c.1912C>A, p.Pro638Thr (NM_001308152.2); c.2026C>A, p.Pro676Thr (NM_001308153.3); short protein forms P700T, P638T, P676T.
Identifiers: ClinVar variation 2982014 (VCV002982014.3), dbSNP rs1318480183, ClinGen allele CA369962381.